The following is an entry in ClinVar:

ClinVar aggregate classification (germline): Conflicting classifications of pathogenicity. Review status: criteria provided, conflicting classifications (1 of 4 stars). 2 submissions from 2 submitters: Uncertain significance (1); Likely benign (1). Last evaluated 2023-05-05.

Conditions:
Thrombocythemia 1 (THCYT1). Also called: THROMBOCYTHEMIA, SOMATIC; THROMBOCYTOSIS 1. Identifiers: MedGen C3277671, MONDO:0008554, OMIM 187950.

Allele frequency attached by ClinVar (database versions not stated): gnomAD 0.00001 and 0.00005; TOPMed 0.00002; ExAC 0.00009; gnomAD exomes 0.00009 and 0.00014; 1000 Genomes Project 30x 0.00031; 1000 Genomes Project 0.00040.

Submissions (2):

Labcorp Genetics (formerly Invitae), Labcorp
Classification: Uncertain significance. Last evaluated: 2023-05-05. Review status: criteria provided, single submitter. Criteria: Invitae Variant Classification Sherloc (09022015). Collection method: clinical testing. Allele origin: germline.
Comment: This sequence change replaces proline, which is neutral and non-polar, with threonine, which is neutral and polar, at codon 104 of the THPO protein (p.Pro104Thr). In summary, the available evidence is currently insufficient to determine the role of this variant in disease. Therefore, it has been classified as a Variant of Uncertain Significance. Advanced modeling of protein sequence and biophysical properties (such as structural, functional, and spatial information, amino acid conservation, physicochemical variation, residue mobility, and thermodynamic stability) performed at Invitae indicates that this missense variant is not expected to disrupt THPO protein function. ClinVar contains an entry for this variant (Variation ID: 903386). This variant has not been reported in the literature in individuals affected with THPO-related conditions. This variant is present in population databases (rs200191903, gnomAD 0.1%).

Illumina Laboratory Services, Illumina
Classification: Likely benign for Thrombocythemia 1. Last evaluated: 2018-01-13. Review status: criteria provided, single submitter. Criteria: ICSL Variant Classification Criteria 13 December 2019. Collection method: clinical testing. Allele origin: germline.
Comment: This variant was observed in the ICSL laboratory as part of a predisposition screen in an ostensibly healthy population. It had not been previously curated by ICSL or reported in the Human Gene Mutation Database (HGMD: prior to June 1st, 2018), and was therefore a candidate for classification through an automated scoring system. Utilizing variant allele frequency, disease prevalence and penetrance estimates, and inheritance mode, an automated score was calculated to assess if this variant is too frequent to cause the disease. Based on the score and internal cut-off values, a variant classified as likely benign is not then subjected to further curation. The score for this variant resulted in a classification of likely benign for this disease.

NM_000460.4(THPO):c.310C>A (p.Pro104Thr)

Gene: THPO (thrombopoietin; minus strand). Cytogenetic location: 3q27.1.
Variant type: single nucleotide variant.
Coding change: c.310C>A on transcript NM_000460.4 (MANE Select); coding-DNA position 310, C replaced by A.
Protein change: p.Pro104Thr; replaces proline 104 with threonine.
Molecular consequence: missense variant.
Genome position (GRCh38, 1-based): chr3:184,373,501, G>T on the plus strand (C>A on the coding strand, the complement: THPO is on the minus strand). VCF-style: chr3-184373501-G-T. GRCh37 (hg19) VCF-style: chr3-184091289-G-T.
Other names: c.310C>A, p.Pro104Thr (NM_001177597.2, NM_001177598.2, NM_001289997.1 and 5 more transcripts); c.730C>A, p.Pro244Thr (NM_001290003.1); short protein forms P104T, P244T.
Identifiers: ClinVar variation 903386 (VCV000903386.7), dbSNP rs200191903, ClinGen allele CA2734991.